The following is an entry in ClinVar:

NM_015295.3(SMCHD1):c.1648-4_1648-3delinsTT

Gene: SMCHD1 (structural maintenance of chromosomes flexible hinge domain containing 1; plus strand). Cytogenetic location: 18p11.32.
Variant type: Indel.
Coding change: c.1648-4_1648-3delinsTT on transcript NM_015295.3 (MANE Select); 4 bases into the intron before coding-DNA position 1648 through 3 bases into the intron before coding-DNA position 1648, AC replaced by TT.
Molecular consequence: intron variant.
Genome position (GRCh38, 1-based): chr18:2,703,688-2,703,689, AC replaced by TT. VCF-style: chr18-2703688-AC-TT. GRCh37 (hg19) VCF-style: chr18-2703686-AC-TT.
Other names: c.1648-4_1648-3delinsTT (NM_015295.2).
Identifiers: ClinVar variation 1434351 (VCV001434351.8), dbSNP rs2143213299, ClinGen allele CA2573155053.

ClinVar aggregate classification (germline): Uncertain significance. Review status: criteria provided, multiple submitters, no conflicts (2 of 4 stars). 2 submissions from 2 submitters: Uncertain significance (2). Last evaluated 2024-12-26.

Conditions:
Facioscapulohumeral muscular dystrophy 2 (FSHD2). Also called: FACIOSCAPULOHUMERAL MUSCULAR DYSTROPHY 2, DIGENIC; FSHD2, DIGENIC; MUSCULAR DYSTROPHY, FACIOSCAPULOHUMERAL, TYPE 1B. Identifiers: Orphanet 269, MedGen C1834671, MONDO:0008031, OMIM 158901.

Submissions (2):

Labcorp Genetics (formerly Invitae), Labcorp
Classification: Uncertain significance for Facioscapulohumeral muscular dystrophy 2. Last evaluated: 2024-12-26. Review status: criteria provided, single submitter. Criteria: Invitae Variant Classification Sherloc (09022015). Collection method: clinical testing. Allele origin: germline.
Comment: This sequence change falls in intron 12 of the SMCHD1 gene. It does not directly change the encoded amino acid sequence of the SMCHD1 protein. It affects a nucleotide within the consensus splice site. Information on the frequency of this variant in the gnomAD database is not available, as this variant may be reported differently in the database. This variant has not been reported in the literature in individuals affected with SMCHD1-related conditions. ClinVar contains an entry for this variant (Variation ID: 1434351). Variants that disrupt the consensus splice site are a relatively common cause of aberrant splicing (PMID: 17576681, 9536098). In summary, the available evidence is currently insufficient to determine the role of this variant in disease. Therefore, it has been classified as a Variant of Uncertain Significance.

Revvity Omics, Revvity
Classification: Uncertain significance. Last evaluated: 2023-06-30. Review status: criteria provided, single submitter. Criteria: ACMG Guidelines, 2015. Collection method: clinical testing. Allele origin: germline.

Literature cited by the submitters: PubMed 17576681 (cited by Labcorp Genetics (formerly Invitae), Labcorp); PubMed 9536098 (cited by Labcorp Genetics (formerly Invitae), Labcorp).